The following is an entry in ClinVar:

NM_002317.7(LOX):c.355C>A (p.Pro119Thr)

Genes: LOX (lysyl oxidase; minus strand), SRFBP1 (serum response factor binding protein 1; plus strand). Cytogenetic location: 5q23.1.
Variant type: single nucleotide variant.
Coding change: c.355C>A on transcript NM_002317.7 (MANE Select); coding-DNA position 355, C replaced by A.
Protein change: p.Pro119Thr; replaces proline 119 with threonine.
Molecular consequence: missense variant.
Genome position (GRCh38, 1-based): chr5:122,077,631, G>T on the plus strand (C>A on the coding strand, the complement: LOX is on the minus strand). VCF-style: chr5-122077631-G-T. GRCh37 (hg19) VCF-style: chr5-121413326-G-T.
Other names: c.355C>A (NM_002317.5); short protein forms P119T.
Identifiers: ClinVar variation 1450865 (VCV001450865.11), dbSNP rs1336143561, ClinGen allele CA360876719.

ClinVar aggregate classification (germline): Conflicting classifications of pathogenicity. Review status: criteria provided, conflicting classifications (1 of 4 stars). 3 submissions from 3 submitters: Uncertain significance (2); Likely benign (1). Last evaluated 2025-12-09.

Conditions:
Aortic aneurysm, familial thoracic 10 (AAT10). Identifiers: MedGen C4284414, MONDO:0014950, OMIM 617168.
Cardiovascular phenotype. Identifiers: MedGen CN230736.

Allele frequency attached by ClinVar (database versions not stated): TOPMed below 0.00001; gnomAD 0.00001.
gnomAD v4.1: 30 of 1,610,652 alleles (0.0019%); highest among the groups gnomAD compares: Non-Finnish European, 0.0025%; no homozygotes.

Submissions (3):

Labcorp Genetics (formerly Invitae), Labcorp
Classification: Uncertain significance. Last evaluated: 2025-12-09. Review status: criteria provided, single submitter. Criteria: Invitae Variant Classification Sherloc (09022015). Collection method: clinical testing. Allele origin: germline.
Comment: This sequence change replaces proline, which is neutral and non-polar, with threonine, which is neutral and polar, at codon 119 of the LOX protein (p.Pro119Thr). This variant is present in population databases (no rsID available, gnomAD 0.007%). This variant has not been reported in the literature in individuals affected with LOX-related conditions. ClinVar contains an entry for this variant (Variation ID: 1450865). Invitae Evidence Modeling of protein sequence and biophysical properties (such as structural, functional, and spatial information, amino acid conservation, physicochemical variation, residue mobility, and thermodynamic stability) indicates that this missense variant is not expected to disrupt LOX protein function with a negative predictive value of 95%. In summary, the available evidence is currently insufficient to determine the role of this variant in disease. Therefore, it has been classified as a Variant of Uncertain Significance.

Ambry Genetics
Classification: Likely benign for Cardiovascular phenotype. Last evaluated: 2025-04-22. Review status: criteria provided, single submitter. Criteria: Ambry Variant Classification Scheme 2023. Collection method: clinical testing. Allele origin: germline.

ARUP Laboratories, Molecular Genetics and Genomics, ARUP Laboratories
Classification: Uncertain significance for Aortic aneurysm, familial thoracic 10. Last evaluated: 2022-09-16. Review status: criteria provided, single submitter. Criteria: ARUP Molecular Germline Variant Investigation Process 2021. Collection method: clinical testing. Allele origin: germline.
Comment: The LOX c.355C>A; p.Pro119Thr variant (rs1336143561), to our knowledge, is not reported in the medical literature but is reported in ClinVar (Variation ID: 1450865). This variant is only observed on one allele in the Genome Aggregation Database. The proline at codon 119 is weakly conserved, and computational analyses predict that this variant is neutral (REVEL: 0.058). Due to limited information, the clinical significance of this variant is uncertain at this time.